The following is an entry in ClinVar:

ClinVar aggregate classification (germline): Pathogenic (1 of 4 stars; one submission).

Conditions:
Hereditary cancer-predisposing syndrome. Also called: Neoplastic Syndromes, Hereditary; Tumor predisposition; Hereditary neoplastic syndrome; Hereditary Cancer Syndrome. Identifiers: Orphanet 140162, MedGen C0027672, MeSH D009386, MONDO:0015356.

Submission:

Ambry Genetics
Classification: Pathogenic for Hereditary cancer-predisposing syndrome. Last evaluated: 2023-09-27. Review status: criteria provided, single submitter. Criteria: Ambry Variant Classification Scheme 2023. Collection method: clinical testing. Allele origin: germline.
Comment: The c.3361delT pathogenic mutation, located in coding exon 20 of the DICER1 gene, results from a deletion of one nucleotide at nucleotide position 3361, causing a translational frameshift with a predicted alternate stop codon (p.Y1121Tfs*23). This variant is considered to be rare based on population cohorts in the Genome Aggregation Database (gnomAD). This alteration is expected to result in loss of function by premature protein truncation or nonsense-mediated mRNA decay. As such, this alteration is interpreted as a disease-causing mutation.

NM_177438.3(DICER1):c.3361del (p.Tyr1121fs)

Gene: DICER1 (dicer 1, ribonuclease III; minus strand). Cytogenetic location: 14q32.13.
Variant type: Deletion.
Coding change: c.3361del on transcript NM_177438.3 (MANE Select); coding-DNA position 3361, one base deleted (T; older notation c.3361delT).
Protein change: p.Tyr1121fs; shifts the reading frame from tyrosine 1121.
Molecular consequence: frameshift variant. On other transcripts: non-coding transcript variant (6).
Genome position (GRCh38, 1-based): chr14:95,104,035, A deleted on the plus strand (T on the coding strand, the reverse complement: DICER1 is on the minus strand); the first of 2 consecutive A bases (chr14:95,104,035-95,104,036); deleting either gives the same sequence. VCF-style (leftmost placement, unchanged base first): chr14-95104034-TA-T. GRCh37 (hg19) VCF-style: chr14-95570371-TA-T.
Other names: c.3361del, p.Tyr1121fs (NM_001195573.1, NM_001271282.3, NM_001291628.2 and 12 more transcripts); c.3360delT, p.Tyr1121Thrfs (NM_001395681.1); c.3079del, p.Tyr1027fs (NM_001395686.1); c.2956del, p.Tyr986fs (NM_001395687.1, NM_001395688.1, NM_001395689.1 and 2 more transcripts); c.2794del, p.Tyr932fs (NM_001395691.1); c.1678del, p.Tyr560fs (NM_001395697.1); c.3361delT (NM_177438.2); short protein forms Y1027fs, Y1121fs, Y560fs, Y932fs, Y986fs.
Identifiers: ClinVar variation 3229374 (VCV003229374.1), dbSNP rs2542718911, ClinGen allele CA2825002250.